The following is an entry in ClinVar:

ClinVar aggregate classification (germline): Uncertain significance (1 of 4 stars; one submission).

Conditions:
KSR2-related disorder. Also called: KSR2-related condition.

Allele frequency attached by ClinVar (database versions not stated): ExAC 0.00001.
gnomAD v4.1: 12 of 1,613,542 alleles (0.00074%); highest among the groups gnomAD compares: African/African-American, 0.0013%; no homozygotes.

Submission:

PreventionGenetics, part of Exact Sciences
Classification: Uncertain significance for KSR2-related condition. Last evaluated: 2023-02-14. Review status: criteria provided, single submitter. Criteria: ACMG Guidelines, 2015. Collection method: clinical testing. Allele origin: germline.
Comment: The KSR2 c.800G>T variant is predicted to result in the amino acid substitution p.Arg267Leu. To our knowledge, this variant has not been reported in the literature. This variant is reported in 0.0018% of alleles in individuals of European (Non-Finnish) descent in gnomAD. At this time, the clinical significance of this variant is uncertain due to the absence of conclusive functional and genetic evidence.

NM_173598.6(KSR2):c.887G>T (p.Arg296Leu)

Gene: KSR2 (kinase suppressor of ras 2; minus strand). Cytogenetic location: 12q24.23.
Variant type: single nucleotide variant.
Coding change: c.887G>T on transcript NM_173598.6 (MANE Select); coding-DNA position 887, G replaced by T.
Protein change: p.Arg296Leu; replaces arginine 296 with leucine.
Molecular consequence: missense variant.
Genome position (GRCh38, 1-based): chr12:117,761,110, C>A on the plus strand (G>T on the coding strand, the complement: KSR2 is on the minus strand). VCF-style: chr12-117761110-C-A. GRCh37 (hg19) VCF-style: chr12-118198915-C-A.
Other names: short protein forms R296L.
Identifiers: ClinVar variation 2631920 (VCV002631920.1), dbSNP rs748667884, ClinGen allele CA6816235.